The following is an entry in ClinVar:

NM_003482.4(KMT2D):c.7649C>A (p.Pro2550His)

Gene: KMT2D (lysine methyltransferase 2D; minus strand). Cytogenetic location: 12q13.12.
Variant type: single nucleotide variant.
Coding change: c.7649C>A on transcript NM_003482.4 (MANE Select); coding-DNA position 7649, C replaced by A.
Protein change: p.Pro2550His; replaces proline 2550 with histidine.
Molecular consequence: missense variant.
Genome position (GRCh38, 1-based): chr12:49,040,121, G>T on the plus strand (C>A on the coding strand, the complement: KMT2D is on the minus strand). VCF-style: chr12-49040121-G-T. GRCh37 (hg19) VCF-style: chr12-49433904-G-T.
Other names: short protein forms P2550H.
Identifiers: ClinVar variation 566460 (VCV000566460.10), dbSNP rs368698254, ClinGen allele CA384747277.
Genomic context (GRCh38, chr12:49,040,121, plus strand): 5'-GGGCCGGGCCCAAAATGGCTGTTGATCCCATGGGGTGGCGGGAGACCAGGCTGAGGGACA[G>T]GGGGCTTTAGGGAAGGCTCCCCTACTGCCTGAGGGAAAGTGAAACGCATGGGAGAGGGGG-3'
Protein context (NP_003473.3, residues 2540-2560): QAVGEPSLKP[Pro2550His]VPQPGLPPPH

ClinVar aggregate classification (germline): Conflicting classifications of pathogenicity. Review status: criteria provided, conflicting classifications (1 of 4 stars). 3 submissions from 3 submitters: Uncertain significance (2); Likely benign (1). Last evaluated 2024-05-29.

Conditions:
KMT2D-related disorder. Also called: KMT2D-Related Disorders.
Inborn genetic diseases. Identifiers: MedGen C0950123, MeSH D030342.
Kabuki syndrome. Also called: NIIKAWA-KUROKI SYNDROME; Kabuki make-up syndrome. Identifiers: Orphanet 2322, MedGen C0796004, MONDO:0016512.

Submissions (3):

Ambry Genetics
Classification: Uncertain significance for Inborn genetic diseases. Last evaluated: 2024-05-29. Review status: criteria provided, single submitter. Criteria: Ambry Variant Classification Scheme 2023. Collection method: clinical testing. Allele origin: germline.

Labcorp Genetics (formerly Invitae), Labcorp
Classification: Likely benign for Kabuki syndrome. Last evaluated: 2024-02-28. Review status: criteria provided, single submitter. Criteria: Invitae Variant Classification Sherloc (09022015). Collection method: clinical testing. Allele origin: germline.

PreventionGenetics, part of Exact Sciences
Classification: Uncertain significance for KMT2D-related condition. Last evaluated: 2023-06-11. Review status: criteria provided, single submitter. Criteria: ACMG Guidelines, 2015. Collection method: clinical testing. Allele origin: germline.
Comment: The KMT2D c.7649C>A variant is predicted to result in the amino acid substitution p.Pro2550His. To our knowledge, this variant has not been reported in the literature or in a large population database, indicating this variant is rare. At this time, the clinical significance of this variant is uncertain due to the absence of conclusive functional and genetic evidence.